The following is an entry in ClinVar:

ClinVar aggregate classification (germline): Uncertain significance. Review status: criteria provided, multiple submitters, no conflicts (2 of 4 stars). 3 submissions from 3 submitters: Uncertain significance (3). Last evaluated 2024-01-08.

Conditions:
Inborn genetic diseases. Identifiers: MedGen C0950123, MeSH D030342.

Allele frequency attached by ClinVar (database versions not stated): gnomAD exomes below 0.00001; ExAC 0.00001; gnomAD 0.00003 and 0.00004; ESP Exome Variant Server 0.00008; TOPMed 0.00013.
gnomAD v4.1: 7 of 1,613,688 alleles (0.00043%); highest among the groups gnomAD compares: Admixed American, 0.0067%; no homozygotes.

Submissions (3):

Ambry Genetics
Classification: Uncertain significance for Inborn genetic diseases. Last evaluated: 2024-01-08. Review status: criteria provided, single submitter. Criteria: Ambry Variant Classification Scheme 2023. Collection method: clinical testing. Allele origin: germline.

Labcorp Genetics (formerly Invitae), Labcorp
Classification: Uncertain significance. Last evaluated: 2023-08-04. Review status: criteria provided, single submitter. Criteria: Invitae Variant Classification Sherloc (09022015). Collection method: clinical testing. Allele origin: germline.
Comment: This sequence change replaces alanine, which is neutral and non-polar, with valine, which is neutral and non-polar, at codon 1385 of the MPDZ protein (p.Ala1385Val). This variant is not present in population databases (gnomAD no frequency). This variant has not been reported in the literature in individuals affected with MPDZ-related conditions. ClinVar contains an entry for this variant (Variation ID: 1447738). An algorithm developed to predict the effect of missense changes on protein structure and function (PolyPhen-2) suggests that this variant is likely to be disruptive. In summary, the available evidence is currently insufficient to determine the role of this variant in disease. Therefore, it has been classified as a Variant of Uncertain Significance.

GeneDx
Classification: Uncertain significance. Last evaluated: 2022-12-02. Review status: criteria provided, single submitter. Criteria: GeneDx Variant Classification Process June 2021. Collection method: clinical testing. Allele origin: germline. Affected: yes.
Comment: Not observed at significant frequency in large population cohorts (gnomAD); In silico analysis supports that this missense variant does not alter protein structure/function; Has not been previously published as pathogenic or benign to our knowledge

NM_001378778.1(MPDZ):c.4154C>T (p.Ala1385Val)

Gene: MPDZ (multiple PDZ domain crumbs cell polarity complex component; minus strand). Cytogenetic location: 9p23.
Variant type: single nucleotide variant.
Coding change: c.4154C>T on transcript NM_001378778.1 (MANE Select); coding-DNA position 4154, C replaced by T.
Protein change: p.Ala1385Val; replaces alanine 1385 with valine.
Molecular consequence: missense variant.
Genome position (GRCh38, 1-based): chr9:13,138,003, G>A on the plus strand (C>T on the coding strand, the complement: MPDZ is on the minus strand). VCF-style: chr9-13138003-G-A. GRCh37 (hg19) VCF-style: chr9-13138002-G-A.
Other names: c.4055C>T, p.Ala1352Val (NM_001261406.2, NM_001261407.2, NM_001375416.1 and 3 more transcripts); c.4154C>T, p.Ala1385Val (NM_001330637.2, NM_001375413.1, NM_003829.5); c.3944C>T, p.Ala1315Val (NM_001375420.1, NM_001375421.1, NM_001375422.1 and 4 more transcripts); c.3746C>T, p.Ala1249Val (NM_001375427.1); c.4154C>T (NM_003829.4, NM_003829.3); short protein forms A1249V, A1352V, A1385V, A1315V.
Identifiers: ClinVar variation 1447738 (VCV001447738.7), dbSNP rs376489902, ClinGen allele CA4986822.